The following is an entry in ClinVar:

ClinVar aggregate classification (germline): Uncertain significance (1 of 4 stars; one submission).

Conditions:
Developmental and epileptic encephalopathy, 35 (DEE35). Also called: Epileptic encephalopathy, early infantile, 35. Identifiers: Orphanet 457375, MedGen C4225256, MONDO:0014719, OMIM 616647.

Allele frequency attached by ClinVar (database versions not stated): gnomAD exomes 0.00001.
gnomAD v4.1: 6 of 1,613,872 alleles (0.00037%); highest among the groups gnomAD compares: East Asian, 0.013%; no homozygotes.

Submission:

Baylor Genetics
Classification: Uncertain significance for Developmental and epileptic encephalopathy, 35. Last evaluated: 2019-05-20. Review status: criteria provided, single submitter. Criteria: ACMG Guidelines, 2015. Collection method: clinical testing. Allele origin: paternal. Affected: yes.
Comment: This variant was determined to be of uncertain significance according to ACMG Guidelines, 2015 [PMID:25741868].

NM_033453.4(ITPA):c.66+3G>C

Gene: ITPA (inosine triphosphatase; plus strand). Cytogenetic location: 20p13.
Variant type: single nucleotide variant.
Coding change: c.66+3G>C on transcript NM_033453.4 (MANE Select); 3 bases into the intron after coding-DNA position 66, G replaced by C.
Molecular consequence: intron variant.
Genome position (GRCh38, 1-based): chr20:3,209,620, G>C. VCF-style: chr20-3209620-G-C. GRCh37 (hg19) VCF-style: chr20-3190266-G-C.
Other names: c.-272+587G>C (NM_001324237.2); c.-275+587G>C (NM_001324238.2); c.66+3G>C (NM_001324240.2, NM_001267623.2); c.-275+3G>C (NM_001324236.2); c.15+54G>C (NM_181493.4); c.-275+85G>C (NM_001351739.2).
Identifiers: ClinVar variation 1028521 (VCV001028521.1), dbSNP rs1346504214, ClinGen allele CA2346465765.